The following is an entry in ClinVar:

NM_003873.7(NRP1):c.2539C>G (p.Pro847Ala)

Gene: NRP1 (neuropilin 1; minus strand). Cytogenetic location: 10p11.22.
Variant type: single nucleotide variant.
Coding change: c.2539C>G on transcript NM_003873.7 (MANE Select); coding-DNA position 2539, C replaced by G.
Protein change: p.Pro847Ala; replaces proline 847 with alanine.
Molecular consequence: missense variant. On other transcripts: non-coding transcript variant (1).
Genome position (GRCh38, 1-based): chr10:33,180,309, G>C on the plus strand (C>G on the coding strand, the complement: NRP1 is on the minus strand). VCF-style: chr10-33180309-G-C. GRCh37 (hg19) VCF-style: chr10-33469237-G-C.
Other names: c.2521C>G, p.Pro841Ala (NM_001244972.2); c.2518C>G, p.Pro840Ala (NM_001244973.2); c.2488C>G, p.Pro830Ala (NM_001330068.2); short protein forms P830A, P840A, P841A, P847A.
Identifiers: ClinVar variation 3356493 (VCV003356493.2).

ClinVar aggregate classification (germline): Uncertain significance. Review status: criteria provided, single submitter (1 of 4 stars). 2 submissions from 2 submitters: Uncertain significance (1). 1 of the submissions does not count toward it. Last evaluated 2025-09-11.

Conditions:
NRP1-related disorder. Also called: NRP1-related condition.

gnomAD v4.1: 15 of 1,607,740 alleles (0.00093%); highest among the groups gnomAD compares: Non-Finnish European, 0.0011%; no homozygotes.

Submissions (2):

Ambry Genetics
Classification: Uncertain significance. Last evaluated: 2025-09-11. Review status: criteria provided, single submitter. Criteria: Ambry Variant Classification Scheme 2023. Collection method: clinical testing. Allele origin: germline.

PreventionGenetics, part of Exact Sciences
Classification: Uncertain significance for NRP1-related condition. Last evaluated: 2024-05-14. Review status: no assertion criteria provided. Collection method: clinical testing. Allele origin: germline. Not counted in ClinVar's aggregate classification.
Comment: The NRP1 c.2539C>G variant is predicted to result in the amino acid substitution p.Pro847Ala. To our knowledge, this variant has not been reported in the literature. This variant is reported in 0.00088% of alleles in individuals of European (Non-Finnish) descent in gnomAD. At this time, the clinical significance of this variant is uncertain due to the absence of conclusive functional and genetic evidence.